The following is an entry in ClinVar:

ClinVar aggregate classification (germline): Uncertain significance (1 of 4 stars; one submission).

Conditions:
Frontotemporal dementia and/or amyotrophic lateral sclerosis 1 (FTDALS1). Also called: C9orf72 Frontotemporal Dementia and/or Amyotrophic Lateral Sclerosis; Frontotemporal dementia with motor neuron disease 1. Identifiers: Orphanet 275872, MedGen C5779877, MONDO:0007105, OMIM 105550.
Paget disease of bone 2, early-onset (PDB2). Also called: Paget disease of bone 2. Identifiers: MedGen C4085251, MONDO:0011183, OMIM 602080.

Submission:

Labcorp Genetics (formerly Invitae), Labcorp
Classification: Uncertain significance for Paget disease of bone 2, early-onset; Frontotemporal dementia and/or amyotrophic lateral sclerosis 1. Last evaluated: 2025-12-31. Review status: criteria provided, single submitter. Criteria: Invitae Variant Classification Sherloc (09022015). Collection method: clinical testing. Allele origin: germline.
Comment: This variant, c.795_796delinsCC, is a complex sequence change that results in the deletion of 2 and insertion of 2 amino acid(s) in the SQSTM1 protein (p.Arg265_Ser266delinsSerArg). Information on the frequency of this variant in the gnomAD database is not available, as this variant may be reported differently in the database. This variant has not been reported in the literature in individuals affected with SQSTM1-related conditions. Experimental studies and prediction algorithms are not available or were not evaluated, and the functional significance of this variant is currently unknown. In summary, the available evidence is currently insufficient to determine the role of this variant in disease. Therefore, it has been classified as a Variant of Uncertain Significance.

NM_003900.5(SQSTM1):c.795_796delinsCC (p.Arg265_Ser266delinsSerArg)

Gene: SQSTM1 (sequestosome 1; plus strand). Cytogenetic location: 5q35.3.
Variant type: Indel.
Coding change: c.795_796delinsCC on transcript NM_003900.5 (MANE Select); coding-DNA positions 795 to 796, AA replaced by CC.
Protein change: p.Arg265_Ser266delinsSerArg.
Molecular consequence: missense variant.
Genome position (GRCh38, 1-based): chr5:179,833,072-179,833,073, AA replaced by CC. VCF-style: chr5-179833072-AA-CC. GRCh37 (hg19) VCF-style: chr5-179260072-AA-CC.
Other names: c.543_544delinsCC, p.Arg181_Ser182delinsSerArg (NM_001142298.2, NM_001142299.2).
Identifiers: ClinVar variation 4788468 (VCV004788468.1).